The following is an entry in ClinVar:

NM_181332.3(NLGN4X):c.611G>A (p.Arg204His)

Gene: NLGN4X (neuroligin 4 X-linked; minus strand). Cytogenetic location: Xp22.32.
Variant type: single nucleotide variant.
Coding change: c.611G>A on transcript NM_181332.3 (MANE Select); coding-DNA position 611, G replaced by A.
Protein change: p.Arg204His; replaces arginine 204 with histidine.
Molecular consequence: missense variant.
Genome position (GRCh38, 1-based): chrX:6,029,294, C>T on the plus strand (G>A on the coding strand, the complement: NLGN4X is on the minus strand). VCF-style: chrX-6029294-C-T. GRCh37 (hg19) VCF-style: chrX-5947335-C-T.
Other names: c.611G>A, p.Arg204His (NM_001282145.2, NM_001282146.2, NM_001441322.1 and 4 more transcripts); short protein forms R204H.
Identifiers: ClinVar variation 4538726 (VCV004538726.1).

ClinVar aggregate classification (germline): Uncertain significance (1 of 4 stars; one submission).

Submission:

GeneDx
Classification: Uncertain significance. Last evaluated: 2025-06-17. Review status: criteria provided, single submitter. Criteria: GeneDx Variant Classification Process June 2021. Collection method: clinical testing. Allele origin: germline. Affected: yes.
Comment: Not observed at significant frequency in large population cohorts (gnomAD); In silico analysis supports that this missense variant has a deleterious effect on protein structure/function; Has not been previously reported as a pathogenic or benign germline variant to our knowledge; This variant is associated with the following publications: (PMID: 24931631, 33818307)